The following is an entry in ClinVar:

ClinVar aggregate classification (germline): Uncertain significance. Review status: criteria provided, multiple submitters, no conflicts (2 of 4 stars). 2 submissions from 2 submitters: Uncertain significance (2). Last evaluated 2024-07-30.

Conditions:
Infantile-onset ascending hereditary spastic paralysis (IAHSP). Also called: Autosomal Recessive Juvenile Amyotrophic Lateral Sclerosis; Infantile-Onset Ascending Hereditary Spastic Paralysis (IAHSP). Identifiers: Orphanet 293168, MedGen C2931441, MONDO:0011797, OMIM 607225. Disease mechanism: loss of function.
Inborn genetic diseases. Identifiers: MedGen C0950123, MeSH D030342.

Allele frequency attached by ClinVar (database versions not stated): TOPMed below 0.00001; gnomAD exomes 0.00001; ExAC 0.00003.
gnomAD v4.1: 5 of 1,614,054 alleles (0.00031%); highest among the groups gnomAD compares: Non-Finnish European, 0.00042%; no homozygotes.

Submissions (2):

Ambry Genetics
Classification: Uncertain significance for Inborn genetic diseases. Last evaluated: 2024-07-30. Review status: criteria provided, single submitter. Criteria: Ambry Variant Classification Scheme 2023. Collection method: clinical testing. Allele origin: germline.

Labcorp Genetics (formerly Invitae), Labcorp
Classification: Uncertain significance for Infantile-onset ascending hereditary spastic paralysis. Last evaluated: 2023-11-11. Review status: criteria provided, single submitter. Criteria: Invitae Variant Classification Sherloc (09022015). Collection method: clinical testing. Allele origin: germline.
Comment: This sequence change replaces cysteine, which is neutral and slightly polar, with tyrosine, which is neutral and polar, at codon 399 of the ALS2 protein (p.Cys399Tyr). This variant is present in population databases (rs753118041, gnomAD 0.007%). This variant has not been reported in the literature in individuals affected with ALS2-related conditions. Advanced modeling of protein sequence and biophysical properties (such as structural, functional, and spatial information, amino acid conservation, physicochemical variation, residue mobility, and thermodynamic stability) performed at Invitae indicates that this missense variant is not expected to disrupt ALS2 protein function with a negative predictive value of 80%. In summary, the available evidence is currently insufficient to determine the role of this variant in disease. Therefore, it has been classified as a Variant of Uncertain Significance.

NM_020919.4(ALS2):c.1196G>A (p.Cys399Tyr)

Gene: ALS2 (alsin Rho guanine nucleotide exchange factor ALS2; minus strand). Cytogenetic location: 2q33.1.
Variant type: single nucleotide variant.
Coding change: c.1196G>A on transcript NM_020919.4 (MANE Select); coding-DNA position 1196, G replaced by A.
Protein change: p.Cys399Tyr; replaces cysteine 399 with tyrosine.
Molecular consequence: missense variant.
Genome position (GRCh38, 1-based): chr2:201,757,677, C>T on the plus strand (G>A on the coding strand, the complement: ALS2 is on the minus strand). VCF-style: chr2-201757677-C-T. GRCh37 (hg19) VCF-style: chr2-202622400-C-T.
Other names: c.1196G>A (NM_020919.3); c.1196G>A, p.Cys399Tyr (NM_001410975.1); short protein forms C399Y.
Identifiers: ClinVar variation 2798611 (VCV002798611.4), dbSNP rs753118041, ClinGen allele CA2058495.